The following is an entry in ClinVar:

NM_000388.4(CASR):c.1149G>C (p.Arg383Ser)

Gene: CASR (calcium sensing receptor; plus strand). Cytogenetic location: 3q21.1.
Variant type: single nucleotide variant.
Coding change: c.1149G>C on transcript NM_000388.4 (MANE Select); coding-DNA position 1149, G replaced by C.
Protein change: p.Arg383Ser; replaces arginine 383 with serine.
Molecular consequence: missense variant.
Genome position (GRCh38, 1-based): chr3:122,262,184, G>C. VCF-style: chr3-122262184-G-C. GRCh37 (hg19) VCF-style: chr3-121981031-G-C.
Other names: c.1149G>C, p.Arg383Ser (NM_001178065.2); short protein forms R383S.
Identifiers: ClinVar variation 566258 (VCV000566258.15), dbSNP rs148573275, ClinGen allele CA82738910.

ClinVar aggregate classification (germline): Uncertain significance. Review status: criteria provided, multiple submitters, no conflicts (2 of 4 stars). 3 submissions from 3 submitters: Uncertain significance (3). Last evaluated 2025-05-23.

Conditions:
Nephrolithiasis/nephrocalcinosis. Identifiers: MedGen CN580796.
Autosomal dominant hypocalcemia 1 (HYPOC1). Also called: HYPOCALCEMIA, FAMILIAL. Identifiers: MedGen C3715128, MONDO:0011013, OMIM 601198.
Familial hypocalciuric hypercalcemia (FHH). Also called: Familial benign hypercalcemia. Identifiers: Orphanet 405, MedGen C1809471, MONDO:0018458.
Neonatal severe primary hyperparathyroidism. Identifiers: Orphanet 417, MedGen C1832615, MONDO:0009397, OMIM 239200.
Epilepsy, idiopathic generalized, susceptibility to, 8. Identifiers: MedGen C2752062, MONDO:0013032, OMIM 612899.
Familial hypocalciuric hypercalcemia 1. Also called: Hypercalcemia, familial benign type 1. Identifiers: Orphanet 405, Orphanet 93372, MedGen C0342637, MONDO:0007791, OMIM 145980.

Allele frequency attached by ClinVar (database versions not stated): gnomAD 0.00001; TOPMed 0.00001; gnomAD exomes 0.00002 and 0.00003; ESP Exome Variant Server 0.00008.
gnomAD v4.1: 44 of 1,614,086 alleles (0.0027%); highest among the groups gnomAD compares: Non-Finnish European, 0.0035%; no homozygotes.

Submissions (3):

Ambry Genetics
Classification: Uncertain significance for Nephrolithiasis/nephrocalcinosis. Last evaluated: 2025-05-23. Review status: criteria provided, single submitter. Criteria: Ambry Variant Classification Scheme 2023. Collection method: clinical testing. Allele origin: germline.
Comment: The p.R383S variant (also known as c.1149G>C), located in coding exon 3 of the CASR gene, results from a G to C substitution at nucleotide position 1149. The arginine at codon 383 is replaced by serine, an amino acid with dissimilar properties. This amino acid position is not well conserved in available vertebrate species. In addition, this alteration is predicted to be tolerated by in silico analysis. In addition, the evidence for the gene-disease relationship is limited for pancreatitis and cancer predisposition; therefore, the clinical significance of this variant for CASR-related pancreatitis and cancer predisposition is unclear. Based on the available evidence, the clinical significance of this variant remains unclear.

Labcorp Genetics (formerly Invitae), Labcorp
Classification: Uncertain significance for Familial hypocalciuric hypercalcemia; Autosomal dominant hypocalcemia 1. Last evaluated: 2025-04-13. Review status: criteria provided, single submitter. Criteria: Invitae Variant Classification Sherloc (09022015). Collection method: clinical testing. Allele origin: germline.
Comment: This sequence change replaces arginine, which is basic and polar, with serine, which is neutral and polar, at codon 383 of the CASR protein (p.Arg383Ser). This variant is present in population databases (rs148573275, gnomAD 0.003%). This variant has not been reported in the literature in individuals affected with CASR-related conditions. ClinVar contains an entry for this variant (Variation ID: 566258). An algorithm developed to predict the effect of missense changes on protein structure and function (PolyPhen-2) suggests that this variant is likely to be tolerated. In summary, the available evidence is currently insufficient to determine the role of this variant in disease. Therefore, it has been classified as a Variant of Uncertain Significance.

Fulgent Genetics
Classification: Uncertain significance for Familial hypocalciuric hypercalcemia 1; Neonatal severe primary hyperparathyroidism; Autosomal dominant hypocalcemia 1; Epilepsy, idiopathic generalized, susceptibility to, 8. Last evaluated: 2022-02-10. Review status: criteria provided, single submitter. Criteria: ACMG Guidelines, 2015. Collection method: clinical testing. Allele origin: unknown.